The following is an entry in ClinVar:

ClinVar aggregate classification (germline): Uncertain significance (1 of 4 stars; one submission).

Conditions:
Congenital myotonia, autosomal recessive form. Also called: BECKER DISEASE; Becker Generalized Myotonia; myotonia congenita, autosomal recessive. Identifiers: Orphanet 614, MedGen C0751360, MONDO:0009715, OMIM 255700.
Congenital myotonia, autosomal dominant form (THD). Also called: THOMSEN DISEASE; Myotonia congenita autosomal dominant. Identifiers: Orphanet 614, MedGen C2936781, MONDO:0008055, OMIM 160800.

Submission:

Labcorp Genetics (formerly Invitae), Labcorp
Classification: Uncertain significance for Congenital myotonia, autosomal recessive form; Congenital myotonia, autosomal dominant form. Last evaluated: 2022-09-17. Review status: criteria provided, single submitter. Criteria: Invitae Variant Classification Sherloc (09022015). Collection method: clinical testing. Allele origin: germline.
Comment: This sequence change replaces threonine, which is neutral and polar, with isoleucine, which is neutral and non-polar, at codon 82 of the CLCN1 protein (p.Thr82Ile). This variant is not present in population databases (gnomAD no frequency). This variant has not been reported in the literature in individuals affected with CLCN1-related conditions. ClinVar contains an entry for this variant (Variation ID: 1421059). Advanced modeling of protein sequence and biophysical properties (such as structural, functional, and spatial information, amino acid conservation, physicochemical variation, residue mobility, and thermodynamic stability) performed at Invitae indicates that this missense variant is not expected to disrupt CLCN1 protein function. In summary, the available evidence is currently insufficient to determine the role of this variant in disease. Therefore, it has been classified as a Variant of Uncertain Significance.

NM_000083.3(CLCN1):c.245C>T (p.Thr82Ile)

Gene: CLCN1 (chloride voltage-gated channel 1; plus strand). Cytogenetic location: 7q34.
Variant type: single nucleotide variant.
Coding change: c.245C>T on transcript NM_000083.3 (MANE Select); coding-DNA position 245, C replaced by T.
Protein change: p.Thr82Ile; replaces threonine 82 with isoleucine.
Molecular consequence: missense variant. On other transcripts: non-coding transcript variant (1).
Genome position (GRCh38, 1-based): chr7:143,319,819, C>T. VCF-style: chr7-143319819-C-T. GRCh37 (hg19) VCF-style: chr7-143016912-C-T.
Other names: short protein forms T82I.
Identifiers: ClinVar variation 1421059 (VCV001421059.3), dbSNP rs2116834657, ClinGen allele CA369680753.